The following is an entry in ClinVar:

NM_005045.4(RELN):c.8181T>G (p.Asp2727Glu)

Genes: RELN (reelin; minus strand), SLC26A5-AS1 (SLC26A5 antisense RNA 1; plus strand). Cytogenetic location: 7q22.1.
Variant type: single nucleotide variant.
Coding change: c.8181T>G on transcript NM_005045.4 (MANE Select); coding-DNA position 8181, T replaced by G.
Protein change: p.Asp2727Glu; replaces aspartic acid 2727 with glutamic acid.
Molecular consequence: missense variant.
Genome position (GRCh38, 1-based): chr7:103,510,944, A>C on the plus strand (T>G on the coding strand, the complement: RELN is on the minus strand). VCF-style: chr7-103510944-A-C. GRCh37 (hg19) VCF-style: chr7-103151391-A-C.
Other names: p.Asp2727Glu; c.8181T>G, p.Asp2727Glu (NM_173054.3); short protein forms D2727E.
Identifiers: ClinVar variation 572620 (VCV000572620.15), dbSNP rs778861276, ClinGen allele CA4420540.

ClinVar aggregate classification (germline): Conflicting classifications of pathogenicity. Review status: criteria provided, conflicting classifications (1 of 4 stars). 3 submissions from 3 submitters: Uncertain significance (2); Likely benign (1). Last evaluated 2024-12-12.

Conditions:
Familial temporal lobe epilepsy 7. Identifiers: Orphanet 101046, MedGen C4225327, MONDO:0014639, OMIM 616436.
Norman-Roberts syndrome (LIS2). Also called: Lissencephaly 2 (Norman-Roberts type). Identifiers: Orphanet 89844, MedGen C0796089, MONDO:0009760, OMIM 257320.
Inborn genetic diseases. Identifiers: MedGen C0950123, MeSH D030342.

Allele frequency attached by ClinVar (database versions not stated): ExAC 0.00002; gnomAD exomes 0.00002.
gnomAD v4.1: 7 of 1,612,644 alleles (0.00043%); highest among the groups gnomAD compares: Admixed American, 0.012%; no homozygotes.

Submissions (3):

Labcorp Genetics (formerly Invitae), Labcorp
Classification: Likely benign for Familial temporal lobe epilepsy 7; Norman-Roberts syndrome. Last evaluated: 2024-12-12. Review status: criteria provided, single submitter. Criteria: Invitae Variant Classification Sherloc (09022015). Collection method: clinical testing. Allele origin: germline.

Ambry Genetics
Classification: Uncertain significance for Inborn genetic diseases. Last evaluated: 2024-12-04. Review status: criteria provided, single submitter. Criteria: Ambry Variant Classification Scheme 2023. Collection method: clinical testing. Allele origin: germline.
Comment: The c.8181T>G (p.D2727E) alteration is located in exon 51 (coding exon 51) of the RELN gene. This alteration results from a T to G substitution at nucleotide position 8181, causing the aspartic acid (D) at amino acid position 2727 to be replaced by a glutamic acid (E). The p.D2727E alteration is predicted to be tolerated by in silico analysis. Based on insufficient or conflicting evidence, the clinical significance of this alteration remains unclear.

Mayo Clinic Laboratories, Mayo Clinic
Classification: Uncertain significance. Last evaluated: 2021-04-13. Review status: criteria provided, single submitter. Criteria: ACMG Guidelines, 2015. Collection method: clinical testing. Allele origin: germline.